The following is an entry in ClinVar:

ClinVar aggregate classification (germline): Uncertain significance (1 of 4 stars; one submission).

Allele frequency attached by ClinVar (database versions not stated): gnomAD exomes below 0.00001.
gnomAD v4.1: 2 of 1,614,114 alleles (0.00012%); highest among the groups gnomAD compares: Non-Finnish European, 0.00017%; no homozygotes.

Submission:

Labcorp Genetics (formerly Invitae), Labcorp
Classification: Uncertain significance. Last evaluated: 2021-09-01. Review status: criteria provided, single submitter. Criteria: Invitae Variant Classification Sherloc (09022015). Collection method: clinical testing. Allele origin: germline.
Comment: This sequence change replaces proline with serine at codon 387 of the COL4A4 protein (p.Pro387Ser). The proline residue is moderately conserved and there is a moderate physicochemical difference between proline and serine. This variant is not present in population databases (ExAC no frequency). This variant has not been reported in the literature in individuals affected with COL4A4-related conditions. Algorithms developed to predict the effect of missense changes on protein structure and function (SIFT, PolyPhen-2, Align-GVGD) all suggest that this variant is likely to be tolerated. In summary, the available evidence is currently insufficient to determine the role of this variant in disease. Therefore, it has been classified as a Variant of Uncertain Significance.

NM_000092.5(COL4A4):c.1159C>T (p.Pro387Ser)

Gene: COL4A4 (collagen type IV alpha 4 chain; minus strand). Cytogenetic location: 2q36.3.
Variant type: single nucleotide variant.
Coding change: c.1159C>T on transcript NM_000092.5 (MANE Select); coding-DNA position 1159, C replaced by T.
Protein change: p.Pro387Ser; replaces proline 387 with serine.
Molecular consequence: missense variant.
Genome position (GRCh38, 1-based): chr2:227,098,739, G>A on the plus strand (C>T on the coding strand, the complement: COL4A4 is on the minus strand). VCF-style: chr2-227098739-G-A. GRCh37 (hg19) VCF-style: chr2-227963455-G-A.
Other names: short protein forms P387S.
Identifiers: ClinVar variation 1386363 (VCV001386363.5), dbSNP rs1351733260, ClinGen allele CA350853980.
Genomic context (GRCh38, chr2:227,098,739, plus strand): 5'-TCAGGGCATCCGTACCTGCACAGGCTTCCCCTGGTCTGCCCAAGAGACCTGGGGGACCAG[G>A]TGGTCCAACATCCCCTGTTTCTCCATAGCGGCCAGGGAACCCTGGGTCCCCTGGTGGGCC-3'
Protein context (NP_000083.3, residues 377-397): RYGETGDVGP[Pro387Ser]GPPGLLGRPG